The following is an entry in ClinVar:

ClinVar aggregate classification (germline): Uncertain significance (1 of 4 stars; one submission).

gnomAD v4.1: 1 of 1,550,524 alleles (0.000064%); highest among the groups gnomAD compares: Non-Finnish European, 0.000087%; no homozygotes.

Submission:

Labcorp Genetics (formerly Invitae), Labcorp
Classification: Uncertain significance. Last evaluated: 2021-10-12. Review status: criteria provided, single submitter. Criteria: Invitae Variant Classification Sherloc (09022015). Collection method: clinical testing. Allele origin: germline.
Comment: In summary, the available evidence is currently insufficient to determine the role of this variant in disease. Therefore, it has been classified as a Variant of Uncertain Significance. Algorithms developed to predict the effect of missense changes on protein structure and function are either unavailable or do not agree on the potential impact of this missense change (SIFT: "Deleterious"; PolyPhen-2: "Probably Damaging"; Align-GVGD: "Class C0"). This variant has not been reported in the literature in individuals affected with CCDC141-related conditions. The frequency data for this variant in the population databases is considered unreliable, as metrics indicate insufficient coverage at this position in the ExAC database. This sequence change replaces arginine with serine at codon 230 of the CCDC141 protein (p.Arg230Ser). The arginine residue is weakly conserved and there is a moderate physicochemical difference between arginine and serine.

NM_173648.4(CCDC141):c.690G>T (p.Arg230Ser)

Gene: CCDC141 (coiled-coil domain containing 141; minus strand). Cytogenetic location: 2q31.2.
Variant type: single nucleotide variant.
Coding change: c.690G>T on transcript NM_173648.4 (MANE Select); coding-DNA position 690, G replaced by T.
Protein change: p.Arg230Ser; replaces arginine 230 with serine.
Molecular consequence: missense variant.
Genome position (GRCh38, 1-based): chr2:178,961,320, C>A on the plus strand (G>T on the coding strand, the complement: CCDC141 is on the minus strand). VCF-style: chr2-178961320-C-A. GRCh37 (hg19) VCF-style: chr2-179826047-C-A.
Other names: c.690G>T, p.Arg230Ser (NM_001316745.2); short protein forms R230S.
Identifiers: ClinVar variation 1496288 (VCV001496288.6), dbSNP rs1690386295, ClinGen allele CA349712789.
Genomic context (GRCh38, chr2:178,961,320, plus strand): 5'-CTGCAGAACTTGACTCAATTCTTGCCACTGTTGCTTCAAGTACTTGTCTAGTTGTCTTCT[C>A]CTGTCTTGTAGAAGTTCAAGAAGGCGGTCAACCTTCAGACAGCTGCTATGAGCTCCCTGA-3'
Protein context (NP_775919.3, residues 220-240): VDRLLELLQD[Arg230Ser]RRQLDKYLKQ